The following is an entry in ClinVar:

ClinVar aggregate classification (germline): Uncertain significance (1 of 4 stars; one submission).

Conditions:
Muscular dystrophy-dystroglycanopathy (congenital with brain and eye anomalies), type a, 11 (MDDGA11). Also called: WALKER-WARBURG SYNDROME OR MUSCLE-EYE-BRAIN DISEASE, B3GALNT2-RELATED; Muscular dystrophy-dystroglycanopathy (congenital with brain and eye anomalies, type A, 11; Congenital muscular dystrophy-dystroglycanopathy with brain and eye anomalies, type A11. Identifiers: Orphanet 588, Orphanet 899, MedGen C3554638, MONDO:0014071, OMIM 615181.

Submission:

Labcorp Genetics (formerly Invitae), Labcorp
Classification: Uncertain significance for Muscular dystrophy-dystroglycanopathy (congenital with brain and eye anomalies), type a, 11. Last evaluated: 2021-08-24. Review status: criteria provided, single submitter. Criteria: Invitae Variant Classification Sherloc (09022015). Collection method: clinical testing. Allele origin: germline.
Comment: This variant, c.1391_1393del, results in the deletion of 1 amino acid(s) of the B3GALNT2 protein (p.Lys464del), but otherwise preserves the integrity of the reading frame. This variant is not present in population databases (ExAC no frequency). This variant has not been reported in the literature in individuals affected with B3GALNT2-related conditions. Experimental studies and prediction algorithms are not available or were not evaluated, and the functional significance of this variant is currently unknown. In summary, the available evidence is currently insufficient to determine the role of this variant in disease. Therefore, it has been classified as a Variant of Uncertain Significance.

NM_152490.5(B3GALNT2):c.1388AGA[1] (p.Lys464del)

Genes: B3GALNT2 (beta-1,3-N-acetylgalactosaminyltransferase 2; minus strand), TBCE (tubulin folding cofactor E; plus strand). Cytogenetic location: 1q42.3.
Variant type: Microsatellite.
Coding change: c.1388AGA[1] on transcript NM_152490.5 (MANE Select); one copy of the 3-base unit AGA starting at c.1388; the reference has two copies in a row; one copy, 3 bases deleted.
Protein change: p.Lys464del; deletes lysine 464.
Molecular consequence: inframe deletion. On other transcripts: 3 prime UTR variant (4).
Genome position (GRCh38, 1-based): chr1:235,450,316-235,450,318, TCT deleted on the plus strand (AGA on the coding strand, the reverse complement: B3GALNT2 is on the minus strand); deleting any 3 consecutive bases within chr1:235,450,316-235,450,321 gives the same sequence; the position shown is the placement nearest the transcript's 3' end. VCF-style (leftmost placement, unchanged base first): chr1-235450315-GTCT-G. GRCh37 (hg19) VCF-style: chr1-235613630-GTCT-G.
Other names: c.*1554TCT[1] (NM_001079515.3, NM_001287801.2, NM_001287802.2 and 1 more transcripts); short protein forms K464del.
Identifiers: ClinVar variation 1371514 (VCV001371514.6), dbSNP rs2102962642, ClinGen allele CA2580611561.
Genomic context (GRCh38, chr1:235,450,315, plus strand): 5'-CACAGTTCCGTCAGTTCCCACGGAGAATACTGAGGAGAAGACAGCATTCCTGTCTCACAG[GTCT>G]TCTCACACAGCCACAGACTGTCCTGTTGAGAAACAACCAAAGCCGATCTGAGAGTGGTGA-3'